The following is an entry in ClinVar:

NM_015662.3(IFT172):c.2770T>G (p.Ser924Ala)

Genes: IFT172 (intraflagellar transport 172; minus strand), LOC126806174 (CDK7 strongly-dependent group 2 enhancer GRCh37_chr2:27681686-27682885; plus strand). Cytogenetic location: 2p23.3.
Variant type: single nucleotide variant.
Coding change: c.2770T>G on transcript NM_015662.3 (MANE Select); coding-DNA position 2770, T replaced by G.
Protein change: p.Ser924Ala; replaces serine 924 with alanine.
Molecular consequence: missense variant.
Genome position (GRCh38, 1-based): chr2:27,459,395, A>C on the plus strand (T>G on the coding strand, the complement: IFT172 is on the minus strand). VCF-style: chr2-27459395-A-C. GRCh37 (hg19) VCF-style: chr2-27682262-A-C.
Other names: short protein forms S924A.
Identifiers: ClinVar variation 476044 (VCV000476044.27), dbSNP rs142409945, ClinGen allele CA1580198.

ClinVar aggregate classification (germline): Conflicting classifications of pathogenicity. Review status: criteria provided, conflicting classifications (1 of 4 stars). 10 submissions from 10 submitters: Uncertain significance (3); Likely benign (4). 3 of the submissions do not count toward it. Last evaluated 2026-09-01.

Conditions:
IFT172-related disorder. Also called: IFT172-related condition; IFT172-related disorders.
Inborn genetic diseases. Identifiers: MedGen C0950123, MeSH D030342.
Short-rib thoracic dysplasia 10 with or without polydactyly (SRTD10). Identifiers: Orphanet 474, MedGen C3810175, MONDO:0014284, OMIM 615630.
Retinitis pigmentosa 71 (RP71). Identifiers: Orphanet 791, MedGen C4225342, MONDO:0014618, OMIM 616394.
Intellectual disability. Also called: Intellectual functioning disability; Intellectual developmental disorder; intellectual disabilities. Identifiers: MedGen C3714756, MeSH D008607, MONDO:0001071, HP:0001249.

Allele frequency attached by ClinVar (database versions not stated): 1000 Genomes Project 30x 0.00016; 1000 Genomes Project 0.00020; TOPMed 0.00044; gnomAD 0.00046 and 0.00051; ESP Exome Variant Server 0.00054; gnomAD exomes 0.00062 and 0.00086; ExAC 0.00063.
gnomAD v4.1: 1,319 of 1,614,080 alleles (0.082%); highest among the groups gnomAD compares: South Asian, 0.16%; 3 homozygotes.

Submissions (10):

CeGaT Center for Human Genetics Tuebingen
Classification: Likely benign. Last evaluated: 2026-09-01. Review status: criteria provided, single submitter. Criteria: CeGaT Center For Human Genetics Tuebingen Variant Classification Criteria Version 2. Collection method: clinical testing. Allele origin: germline. Affected: yes. Observed: 5 variant alleles.
Comment: IFT172: BS2

GeneDx
Classification: Uncertain significance. Last evaluated: 2026-06-26. Review status: criteria provided, single submitter. Criteria: GeneDx Variant Classification Process June 2021. Collection method: clinical testing. Allele origin: germline.
Comment: In silico analysis suggests that this missense variant does not alter protein structure/function; This variant is associated with the following publications: (PMID: 32483926, 35836572)

Labcorp Genetics (formerly Invitae), Labcorp
Classification: Likely benign for Retinitis pigmentosa 71; Short-rib thoracic dysplasia 10 with or without polydactyly. Last evaluated: 2026-01-04. Review status: criteria provided, single submitter. Criteria: Invitae Variant Classification Sherloc (09022015). Collection method: clinical testing. Allele origin: germline.

Blueprint Genetics
Classification: Likely benign. Last evaluated: 2024-11-26. Review status: criteria provided, single submitter. Criteria: ACMG Guidelines, 2015. Collection method: clinical testing. Allele origin: germline.

Ambry Genetics
Classification: Likely benign for Inborn genetic diseases. Last evaluated: 2024-03-05. Review status: criteria provided, single submitter. Criteria: Ambry Variant Classification Scheme 2023. Collection method: clinical testing. Allele origin: germline.

Cambridge Genomics Laboratory, East Genomic Laboratory Hub, NHS Genomic Medicine Service
Classification: Uncertain significance for Intellectual disability. Last evaluated: 2020-02-11. Review status: criteria provided, single submitter. Criteria: ACGS Best Practice Guidelines for Variant Classification in Rare Disease 2020. Collection method: clinical testing. Allele origin: germline. Affected: yes. Observed: 1 variant allele.

Baylor Genetics
Classification: Uncertain significance for Retinitis pigmentosa 71. Last evaluated: 2018-02-14. Review status: criteria provided, single submitter. Criteria: ACMG Guidelines, 2015. Collection method: clinical testing. Allele origin: paternal. Affected: yes.
Comment: This variant was determined to be of uncertain significance according to ACMG Guidelines, 2015 [PMID:25741868].

PreventionGenetics, part of Exact Sciences
Classification: Likely benign for IFT172-related condition. Last evaluated: 2022-07-22. Review status: no assertion criteria provided. Collection method: clinical testing. Allele origin: germline. Not counted in ClinVar's aggregate classification.
Comment: This variant is classified as likely benign based on ACMG/AMP sequence variant interpretation guidelines (Richards et al. 2015 PMID: 25741868, with internal and published modifications).

Clinical Genetics DNA and cytogenetics Diagnostics Lab, Erasmus MC, Erasmus Medical Center
Classification: Likely benign. Review status: no assertion criteria provided. Collection method: clinical testing. Allele origin: germline. Affected: yes. Study: VKGL Data-share Consensus. Not counted in ClinVar's aggregate classification.

Laboratory of Diagnostic Genome Analysis, Leiden University Medical Center (LUMC)
Classification: Likely benign. Review status: no assertion criteria provided. Collection method: clinical testing. Allele origin: germline. Affected: yes. Study: VKGL Data-share Consensus. Not counted in ClinVar's aggregate classification.

Literature cited by the submitters: PubMed 36413997 (cited by Ambry Genetics).